The following is an entry in ClinVar:

NM_000256.3(MYBPC3):c.544A>G (p.Ser182Gly)

Gene: MYBPC3 (myosin binding protein C3; minus strand). Cytogenetic location: 11p11.2.
Variant type: single nucleotide variant.
Coding change: c.544A>G on transcript NM_000256.3 (MANE Select); coding-DNA position 544, A replaced by G.
Protein change: p.Ser182Gly; replaces serine 182 with glycine.
Molecular consequence: missense variant.
Genome position (GRCh38, 1-based): chr11:47,349,884, T>C on the plus strand (A>G on the coding strand, the complement: MYBPC3 is on the minus strand). VCF-style: chr11-47349884-T-C. GRCh37 (hg19) VCF-style: chr11-47371435-T-C.
Other names: short protein forms S182G.
Identifiers: ClinVar variation 3622389 (VCV003622389.2).

ClinVar aggregate classification (germline): Uncertain significance (1 of 4 stars; one submission).

Conditions:
Hypertrophic cardiomyopathy. Also called: HYPERTROPHIC MYOCARDIOPATHY. Identifiers: Orphanet 217569, MedGen C0007194, MeSH D002312, MONDO:0005045, HP:0001639.

Submission:

Labcorp Genetics (formerly Invitae), Labcorp
Classification: Uncertain significance for Hypertrophic cardiomyopathy. Last evaluated: 2024-07-09. Review status: criteria provided, single submitter. Criteria: Invitae Variant Classification Sherloc (09022015). Collection method: clinical testing. Allele origin: germline.
Comment: This sequence change replaces serine, which is neutral and polar, with glycine, which is neutral and non-polar, at codon 182 of the MYBPC3 protein (p.Ser182Gly). This variant is not present in population databases (gnomAD no frequency). This variant has not been reported in the literature in individuals affected with MYBPC3-related conditions. An algorithm developed to predict the effect of missense changes on protein structure and function (PolyPhen-2) suggests that this variant is likely to be disruptive. In summary, the available evidence is currently insufficient to determine the role of this variant in disease. Therefore, it has been classified as a Variant of Uncertain Significance.